The following is an entry in ClinVar:

NM_000548.5(TSC2):c.5050T>A (p.Ser1684Thr)

Gene: TSC2 (TSC complex subunit 2; plus strand). Cytogenetic location: 16p13.3.
Variant type: single nucleotide variant.
Coding change: c.5050T>A on transcript NM_000548.5 (MANE Select); coding-DNA position 5050, T replaced by A.
Protein change: p.Ser1684Thr; replaces serine 1684 with threonine.
Molecular consequence: missense variant. On other transcripts: non-coding transcript variant (5).
Genome position (GRCh38, 1-based): chr16:2,087,923, T>A. VCF-style: chr16-2087923-T-A. GRCh37 (hg19) VCF-style: chr16-2137924-T-A.
Other names: c.4849T>A, p.Ser1617Thr (NM_001077183.3); c.4981T>A, p.Ser1661Thr (NM_001114382.3); c.4741T>A, p.Ser1581Thr (NM_001318827.2); c.4705T>A, p.Ser1569Thr (NM_001318829.2); c.4318T>A, p.Ser1440Thr (NM_001318831.2); c.4882T>A, p.Ser1628Thr (NM_001318832.2); c.4852T>A, p.Ser1618Thr (NM_001363528.2); c.4918T>A, p.Ser1640Thr (NM_001370404.1); and 26 more; short protein forms S1083T, S1192T, S1460T, S1461T, S1484T, S1569T, S1580T, S1598T.
Identifiers: ClinVar variation 2751540 (VCV002751540.3), dbSNP rs45517387, ClinGen allele CA394311541.

ClinVar aggregate classification (germline): Uncertain significance (1 of 4 stars; one submission).

Conditions:
Tuberous sclerosis 2 (TSC2). Identifiers: Orphanet 805, MedGen C1860707, MONDO:0013199, OMIM 613254.

Submission:

Labcorp Genetics (formerly Invitae), Labcorp
Classification: Uncertain significance for Tuberous sclerosis 2. Last evaluated: 2023-08-10. Review status: criteria provided, single submitter. Criteria: Invitae Variant Classification Sherloc (09022015). Collection method: clinical testing. Allele origin: germline.
Comment: In summary, the available evidence is currently insufficient to determine the role of this variant in disease. Therefore, it has been classified as a Variant of Uncertain Significance. Advanced modeling of protein sequence and biophysical properties (such as structural, functional, and spatial information, amino acid conservation, physicochemical variation, residue mobility, and thermodynamic stability) performed at Invitae indicates that this missense variant is not expected to disrupt TSC2 protein function. This variant has not been reported in the literature in individuals affected with TSC2-related conditions. This variant is not present in population databases (gnomAD no frequency). This sequence change replaces serine, which is neutral and polar, with threonine, which is neutral and polar, at codon 1684 of the TSC2 protein (p.Ser1684Thr).